The following is an entry in ClinVar:

NM_006343.3(MERTK):c.302G>C (p.Gly101Ala)

Gene: MERTK (MER proto-oncogene, tyrosine kinase; plus strand). Cytogenetic location: 2q13.
Variant type: single nucleotide variant.
Coding change: c.302G>C on transcript NM_006343.3 (MANE Select); coding-DNA position 302, G replaced by C.
Protein change: p.Gly101Ala; replaces glycine 101 with alanine.
Molecular consequence: missense variant.
Genome position (GRCh38, 1-based): chr2:111,929,360, G>C. VCF-style: chr2-111929360-G-C. GRCh37 (hg19) VCF-style: chr2-112686937-G-C.
Other names: short protein forms G101A.
Identifiers: ClinVar variation 850484 (VCV000850484.8), dbSNP rs1047248515, ClinGen allele CA53561191.

ClinVar aggregate classification (germline): Uncertain significance. Review status: criteria provided, multiple submitters, no conflicts (2 of 4 stars). 2 submissions from 2 submitters: Uncertain significance (2). Last evaluated 2024-02-07.

Allele frequency attached by ClinVar (database versions not stated): gnomAD exomes below 0.00001 and 0.00001; gnomAD 0.00001; TOPMed 0.00001.
gnomAD v4.1: 11 of 1,613,958 alleles (0.00068%); highest among the groups gnomAD compares: Non-Finnish European, 0.00093%; no homozygotes.

Submissions (2):

Blueprint Genetics
Classification: Uncertain significance. Last evaluated: 2024-02-07. Review status: criteria provided, single submitter. Criteria: ACMG Guidelines, 2015. Collection method: clinical testing. Allele origin: germline.

Labcorp Genetics (formerly Invitae), Labcorp
Classification: Uncertain significance. Last evaluated: 2021-08-31. Review status: criteria provided, single submitter. Criteria: Invitae Variant Classification Sherloc (09022015). Collection method: clinical testing. Allele origin: germline.
Comment: This sequence change replaces glycine with alanine at codon 101 of the MERTK protein (p.Gly101Ala). The glycine residue is highly conserved and there is a small physicochemical difference between glycine and alanine. This variant is not present in population databases (ExAC no frequency). This variant has not been reported in the literature in individuals affected with MERTK-related conditions. Algorithms developed to predict the effect of missense changes on protein structure and function (SIFT, PolyPhen-2, Align-GVGD) all suggest that this variant is likely to be disruptive. In summary, the available evidence is currently insufficient to determine the role of this variant in disease. Therefore, it has been classified as a Variant of Uncertain Significance.